The following is an entry in ClinVar:

ClinVar aggregate classification (germline): Likely benign (1 of 4 stars; one submission).

Allele frequency attached by ClinVar (database versions not stated): gnomAD 0.00001; gnomAD exomes 0.00002; TOPMed 0.00007; 1000 Genomes Project 30x 0.00016.

Submission:

GeneDx
Classification: Likely benign. Last evaluated: 2017-01-23. Review status: criteria provided, single submitter. Criteria: GeneDx Variant Classification (06012015). Collection method: clinical testing. Allele origin: germline. Affected: yes.
Comment: This variant is considered likely benign or benign based on one or more of the following criteria: it is a conservative change, it occurs at a poorly conserved position in the protein, it is predicted to be benign by multiple in silico algorithms, and/or has population frequency not consistent with disease.

NM_002693.3(POLG):c.-159-6_-159-4del

Gene: POLG (DNA polymerase gamma, catalytic subunit; minus strand). Cytogenetic location: 15q26.1.
Variant type: Deletion.
Coding change: c.-159-6_-159-4del on transcript NM_002693.3 (MANE Select); 6 bases into the intron before 159 bases upstream of the start codon through 4 bases into the intron before 159 bases upstream of the start codon, 3 bases deleted (CTT; older notation c.-159-6_-159-4delCTT).
Molecular consequence: intron variant.
Genome position (GRCh38, 1-based): chr15:89,333,917-89,333,919, AAG deleted on the plus strand (CTT on the coding strand, the reverse complement: POLG is on the minus strand). VCF-style (leftmost placement, unchanged base first): chr15-89333916-AAAG-A. GRCh37 (hg19) VCF-style: chr15-89877147-AAAG-A.
Other names: c.-159-6_-159-4del (NM_001126131.2); c.-159-6_-159-4delCTT (NM_002693.2).
Identifiers: ClinVar variation 420510 (VCV000420510.1), dbSNP rs1064794526, ClinGen allele CA16620030.